The following is an entry in ClinVar:

ClinVar aggregate classification (germline): Uncertain significance. Review status: criteria provided, multiple submitters, no conflicts (2 of 4 stars). 2 submissions from 2 submitters: Uncertain significance (2). Last evaluated 2026-09-25.

gnomAD v4.1: 2 of 1,612,694 alleles (0.00012%); highest among the groups gnomAD compares: African/African-American, 0.0027%; no homozygotes.

Submissions (2):

GeneDx
Classification: Uncertain significance. Last evaluated: 2026-09-25. Review status: criteria provided, single submitter. Criteria: GeneDx Variant Classification Process June 2021. Collection method: clinical testing. Allele origin: germline.
Comment: Not observed at significant frequency in large population cohorts (gnomAD); In silico analysis suggests that this missense variant does not alter protein structure/function; Has not been previously published as pathogenic or benign to our knowledge

Labcorp Genetics (formerly Invitae), Labcorp
Classification: Uncertain significance. Last evaluated: 2025-07-14. Review status: criteria provided, single submitter. Criteria: Invitae Variant Classification Sherloc (09022015). Collection method: clinical testing. Allele origin: germline.
Comment: This sequence change replaces leucine, which is neutral and non-polar, with arginine, which is basic and polar, at codon 503 of the SETD5 protein (p.Leu503Arg). This variant is not present in population databases (gnomAD no frequency). This variant has not been reported in the literature in individuals affected with SETD5-related conditions. ClinVar contains an entry for this variant (Variation ID: 3378316). Invitae Evidence Modeling of protein sequence and biophysical properties (such as structural, functional, and spatial information, amino acid conservation, physicochemical variation, residue mobility, and thermodynamic stability) indicates that this missense variant is not expected to disrupt SETD5 protein function with a negative predictive value of 80%. In summary, the available evidence is currently insufficient to determine the role of this variant in disease. Therefore, it has been classified as a Variant of Uncertain Significance.

NM_001080517.3(SETD5):c.1508T>G (p.Leu503Arg)

Gene: SETD5 (SET domain containing 5; plus strand). Cytogenetic location: 3p25.3.
Variant type: single nucleotide variant.
Coding change: c.1508T>G on transcript NM_001080517.3 (MANE Select); coding-DNA position 1508, T replaced by G.
Protein change: p.Leu503Arg; replaces leucine 503 with arginine.
Molecular consequence: missense variant.
Genome position (GRCh38, 1-based): chr3:9,445,724, T>G. VCF-style: chr3-9445724-T-G. GRCh37 (hg19) VCF-style: chr3-9487408-T-G.
Other names: c.1214T>G, p.Leu405Arg (NM_001292043.2, NM_001349451.2); short protein forms L405R, L503R.
Identifiers: ClinVar variation 3378316 (VCV003378316.4).